The following is an entry in ClinVar:

ClinVar aggregate classification (germline): Uncertain significance. Review status: criteria provided, multiple submitters, no conflicts (2 of 4 stars). 2 submissions from 2 submitters: Uncertain significance (2). Last evaluated 2022-10-05.

Conditions:
Inborn genetic diseases. Identifiers: MedGen C0950123, MeSH D030342.
Mucopolysaccharidosis, MPS-III-A (MPS3A). Also called: HEPARAN SULFATE SULFATASE DEFICIENCY; SANFILIPPO SYNDROME A; SULFAMIDASE DEFICIENCY; MPS III A; Mucopolysaccharidosis, type IIIA; MUCOPOLYSACCHARIDOSIS, TYPE IIIA, ATTENUATED. Identifiers: Orphanet 581, Orphanet 79269, MedGen C0086647, MONDO:0009655, OMIM 252900.

Allele frequency attached by ClinVar (database versions not stated): gnomAD 0.00001; gnomAD exomes 0.00001; TOPMed 0.00002; ExAC 0.00002.

Submissions (2):

Labcorp Genetics (formerly Invitae), Labcorp
Classification: Uncertain significance for Mucopolysaccharidosis, MPS-III-A. Last evaluated: 2022-10-05. Review status: criteria provided, single submitter. Criteria: Invitae Variant Classification Sherloc (09022015). Collection method: clinical testing. Allele origin: germline.
Comment: This sequence change replaces alanine, which is neutral and non-polar, with threonine, which is neutral and polar, at codon 260 of the SGSH protein (p.Ala260Thr). This variant is present in population databases (rs776183743, gnomAD 0.003%). This variant has not been reported in the literature in individuals affected with SGSH-related conditions. Algorithms developed to predict the effect of missense changes on protein structure and function (SIFT, PolyPhen-2, Align-GVGD) all suggest that this variant is likely to be disruptive. In summary, the available evidence is currently insufficient to determine the role of this variant in disease. Therefore, it has been classified as a Variant of Uncertain Significance.

Ambry Genetics
Classification: Uncertain significance for Inborn genetic diseases. Last evaluated: 2021-09-01. Review status: criteria provided, single submitter. Criteria: Ambry Variant Classification Scheme 2023. Collection method: clinical testing. Allele origin: germline.

NM_000199.5(SGSH):c.778G>A (p.Ala260Thr)

Gene: SGSH (N-sulfoglucosamine sulfohydrolase; minus strand). Cytogenetic location: 17q25.3.
Variant type: single nucleotide variant.
Coding change: c.778G>A on transcript NM_000199.5 (MANE Select); coding-DNA position 778, G replaced by A.
Protein change: p.Ala260Thr; replaces alanine 260 with threonine.
Molecular consequence: missense variant. On other transcripts: non-coding transcript variant (1).
Genome position (GRCh38, 1-based): chr17:80,212,242, C>T on the plus strand (G>A on the coding strand, the complement: SGSH is on the minus strand). VCF-style: chr17-80212242-C-T. GRCh37 (hg19) VCF-style: chr17-78186041-C-T.
Other names: c.778G>A (NM_000199.3); c.778G>A, p.Ala260Thr (NM_001352921.3, NM_001352922.2); short protein forms A260T.
Identifiers: ClinVar variation 2180749 (VCV002180749.2), dbSNP rs776183743, ClinGen allele CA8817780.
Genomic context (GRCh38, chr17:80,212,242, plus strand): 5'-TGGGGAAGGGGATCCCGTTGTCGGACGTGAAGATCACCAGTGTGTCGTTCAGGACACCGG[C>T]GTCACGCAGCTCCTGGAGCACCAGTCCAACTCCTGTGGTGAGGGGCCGAGAAGCAGAGCT-3'
Protein context (NP_000190.1, residues 250-270): VGLVLQELRD[Ala260Thr]GVLNDTLVIF